The following is an entry in ClinVar:

ClinVar aggregate classification (germline): Likely benign (1 of 4 stars; one submission).

Submission:

CeGaT Center for Human Genetics Tuebingen
Classification: Likely benign. Last evaluated: 2025-06-01. Review status: criteria provided, single submitter. Criteria: CeGaT Center For Human Genetics Tuebingen Variant Classification Criteria Version 2. Collection method: clinical testing. Allele origin: germline. Affected: yes. Observed: 1 variant allele.
Comment: UBC: BP4, BP7

NM_021009.7(UBC):c.501C>T (p.Leu167=)

Gene: UBC (ubiquitin C; minus strand). Cytogenetic location: 12q24.31.
Variant type: single nucleotide variant.
Coding change: c.501C>T on transcript NM_021009.7 (MANE Select); coding-DNA position 501, C replaced by T.
Protein change: p.Leu167=; no amino-acid change (leucine 167 retained).
Molecular consequence: synonymous variant.
Genome position (GRCh38, 1-based): chr12:124,913,271, G>A on the plus strand (C>T on the coding strand, the complement: UBC is on the minus strand). VCF-style: chr12-124913271-G-A. GRCh37 (hg19) VCF-style: chr12-125397817-G-A.
Identifiers: ClinVar variation 4083846 (VCV004083846.8).